The following is an entry in ClinVar:

NM_001164508.2(NEB):c.12660G>A (p.Trp4220Ter)

Gene: NEB (nebulin; minus strand). Cytogenetic location: 2q23.3.
Variant type: single nucleotide variant.
Coding change: c.12660G>A on transcript NM_001164508.2 (MANE Select); coding-DNA position 12660, G replaced by A.
Protein change: p.Trp4220Ter; replaces tryptophan 4220 with a stop codon.
Molecular consequence: nonsense. On other transcripts: intron variant (1).
Genome position (GRCh38, 1-based): chr2:151,606,693, C>T on the plus strand (G>A on the coding strand, the complement: NEB is on the minus strand). VCF-style: chr2-151606693-C-T. GRCh37 (hg19) VCF-style: chr2-152463207-C-T.
Other names: c.12660G>A, p.Trp4220Ter (NM_001164507.2, NM_001271208.2); c.11601+3116G>A (NM_004543.5); short protein forms W4220*.
Identifiers: ClinVar variation 2095551 (VCV002095551.4), dbSNP rs2552225153, ClinGen allele CA348774547.

ClinVar aggregate classification (germline): Pathogenic (1 of 4 stars; one submission).

Conditions:
Nemaline myopathy 2 (NEM2). Also called: Nemaline myopathy 2, autosomal recessive. Identifiers: MedGen C1850569, MONDO:0009725, OMIM 256030.

Submission:

Labcorp Genetics (formerly Invitae), Labcorp
Classification: Pathogenic for Nemaline myopathy 2. Last evaluated: 2022-08-04. Review status: criteria provided, single submitter. Criteria: Invitae Variant Classification Sherloc (09022015). Collection method: clinical testing. Allele origin: germline.
Comment: For these reasons, this variant has been classified as Pathogenic. This variant has not been reported in the literature in individuals affected with NEB-related conditions. The frequency data for this variant in the population databases (gnomAD) is considered unreliable due to the presence of homologous sequence, such as pseudogenes or paralogs, in the genome. This sequence change creates a premature translational stop signal (p.Trp4220*) in the NEB gene. It is expected to result in an absent or disrupted protein product. Loss-of-function variants in NEB are known to be pathogenic (PMID: 25205138). This variant occurs in a region of NEB (Exons 82-105) consisting of three highly homologous 8-exon repeat units (exons 82-89, exons 90-97, exons 98-105). Sequence variants in this region can be detected, but this assay cannot determine which of the three repeat units is affected, and zygosity is often ambiguous. All variants in this region are reported relative to the exon 82-89 repeat.

Literature cited by the submitters: PubMed 25205138.